The following is an entry in ClinVar:

ClinVar aggregate classification (germline): Conflicting classifications of pathogenicity. Review status: criteria provided, conflicting classifications (1 of 4 stars). 8 submissions from 8 submitters: Uncertain significance (7); Likely benign (1). Last evaluated 2024-09-16.

Conditions:
Arrhythmogenic right ventricular dysplasia 2. Identifiers: MedGen C1832931.
Catecholaminergic polymorphic ventricular tachycardia 1. Also called: VENTRICULAR TACHYCARDIA, CATECHOLAMINERGIC POLYMORPHIC, 1, WITH OR WITHOUT ATRIAL DYSFUNCTION AND/OR DILATED CARDIOMYOPATHY; VENTRICULAR TACHYCARDIA, STRESS-INDUCED POLYMORPHIC 1; RYR2-Related Catecholaminergic Polymorphic Ventricular Tachycardia. Identifiers: Orphanet 3286, MedGen C1631597, MONDO:0011484, OMIM 604772.
Ventricular arrhythmias due to cardiac ryanodine receptor calcium release deficiency syndrome. Also called: Autosomal dominant cardiac arrhythmia (Kuhn). Identifiers: MedGen C5542154, MONDO:0020745, OMIM 115000.
Cardiovascular phenotype. Identifiers: MedGen CN230736.
Cardiomyopathy (CMYO). Also called: Cardiomyopathies. Identifiers: Orphanet 167848, MedGen C0878544, MONDO:0004994, HP:0001638. Inheritance: Various modes of inheritance.
Catecholaminergic polymorphic ventricular tachycardia (CVPT). Also called: Catecholamine-induced polymorphic ventricular tachycardia. Identifiers: Orphanet 3286, MedGen C5574922, MONDO:0017990.

Allele frequency attached by ClinVar (database versions not stated): ExAC 0.00001; gnomAD exomes 0.00001; gnomAD 0.00003; TOPMed 0.00003; ESP Exome Variant Server 0.00008.
gnomAD v4.1: 11 of 1,613,874 alleles (0.00068%); highest among the groups gnomAD compares: Non-Finnish European, 0.00093%; no homozygotes.

Submissions (8):

GeneDx
Classification: Uncertain significance. Last evaluated: 2024-09-16. Review status: criteria provided, single submitter. Criteria: GeneDx Variant Classification Process June 2021. Collection method: clinical testing. Allele origin: germline. Affected: yes.
Comment: Not observed at significant frequency in large population cohorts (gnomAD); In silico analysis supports that this missense variant has a deleterious effect on protein structure/function; Located in one of the three hot-spot regions of the RYR2 gene, where the majority of pathogenic missense variants occur (PMID: 19926015); Reported in association with CPVT and sudden unexplained death in published literature; however, at least one patient harbored additional cardiogenetic variants (PMID: 19926015, 24025405, 22677073); This variant is associated with the following publications: (PMID: 27114410, 19926015, 27538377, 24025405, 22677073, 36450727, 32152366)

Labcorp Genetics (formerly Invitae), Labcorp
Classification: Uncertain significance for Catecholaminergic polymorphic ventricular tachycardia 1. Last evaluated: 2024-09-14. Review status: criteria provided, single submitter. Criteria: Invitae Variant Classification Sherloc (09022015). Collection method: clinical testing. Allele origin: germline.
Comment: This sequence change replaces histidine, which is basic and polar, with arginine, which is basic and polar, at codon 240 of the RYR2 protein (p.His240Arg). This variant is present in population databases (rs369512347, gnomAD 0.002%). This missense change has been observed in individual(s) with clinical features of catecholaminergic polymorphic ventriculartachycardia (CPVT) or long QT syndrome (LQTS) (PMID: 19926015, 27114410). This variant is also known as 6337G>A. ClinVar contains an entry for this variant (Variation ID: 43823). Invitae Evidence Modeling of protein sequence and biophysical properties (such as structural, functional, and spatial information, amino acid conservation, physicochemical variation, residue mobility, and thermodynamic stability) indicates that this missense variant is not expected to disrupt RYR2 protein function with a negative predictive value of 95%. In summary, the available evidence is currently insufficient to determine the role of this variant in disease. Therefore, it has been classified as a Variant of Uncertain Significance.

Blueprint Genetics
Classification: Likely benign. Last evaluated: 2024-07-04. Review status: criteria provided, single submitter. Criteria: ACMG Guidelines, 2015. Collection method: clinical testing. Allele origin: germline.

Color Diagnostics, LLC DBA Color Health
Classification: Uncertain significance for Cardiomyopathy. Last evaluated: 2024-06-21. Review status: criteria provided, single submitter. Criteria: ACMG Guidelines, 2015. Collection method: clinical testing. Allele origin: germline.
Comment: This missense variant replaces histidine with arginine at codon 240 of the RYR2 protein. Computational prediction is inconclusive regarding the impact of this variant on protein structure and function. To our knowledge, functional studies have not been reported for this variant. This variant has been reported in an individual affected with sudden unexplained death (PMID: 22677073). This variant has been identified in 3/280520 chromosomes in the general population by the Genome Aggregation Database (gnomAD). The available evidence is insufficient to determine the role of this variant in disease conclusively. Therefore, this variant is classified as a Variant of Uncertain Significance.

Ambry Genetics
Classification: Uncertain significance for Cardiovascular phenotype. Last evaluated: 2024-03-29. Review status: criteria provided, single submitter. Criteria: Ambry Variant Classification Scheme 2023. Collection method: clinical testing. Allele origin: germline.
Comment: The p.H240R variant (also known as c.719A>G), located in coding exon 10 of the RYR2 gene, results from an A to G substitution at nucleotide position 719. The histidine at codon 240 is replaced by arginine, an amino acid with highly similar properties. This variant co-occurred with a second RYR2 variant in a child with sudden unexplained death on exertion (Tester DJ et al. Mayo Clin Proc, 2012 Jun;87:524-39). This amino acid position is highly conserved in available vertebrate species. In addition, the in silico prediction for this alteration is inconclusive. Based on the available evidence, the clinical significance of this alteration remains unclear.

All of Us Research Program, National Institutes of Health
Classification: Uncertain significance for Catecholaminergic polymorphic ventricular tachycardia. Last evaluated: 2023-05-15. Review status: criteria provided, single submitter. Criteria: ACMG Guidelines, 2015. Collection method: clinical testing. Allele origin: germline. Inheritance: Autosomal dominant inheritance. Observed: 1 variant allele, 1 heterozygote.
Comment: This study involves interpretation of variants in research participants for the purpose of population health screening. Participant phenotype was not available at the time of variant classification. Additional details can be found in publication PMID: 35346344, PMCID: PMC8962531

Fulgent Genetics
Classification: Uncertain significance for Ventricular arrhythmias due to cardiac ryanodine receptor calcium release deficiency syndrome; Catecholaminergic polymorphic ventricular tachycardia 1. Last evaluated: 2021-10-02. Review status: criteria provided, single submitter. Criteria: ACMG Guidelines, 2015. Collection method: clinical testing. Allele origin: unknown.

Laboratory for Molecular Medicine, Mass General Brigham Personalized Medicine
Classification: Uncertain significance. Last evaluated: 2018-02-27. Review status: criteria provided, single submitter. Criteria: LMM Criteria. Collection method: clinical testing. Allele origin: germline. Observed: 4 variant alleles.
Comment: This variant has also been identified in 0.0 02% (3/126662) of European chromosomes by gnomAD (rg) and has been reported in ClinVar (Variation ID 43823). Computational predict ion tools and conservation analysis do not provide strong support for or against an impact to the protein. In summary, the clinical significance of the p.His240 Arg variant is uncertain. ACMG/AMP Criteria applied: PM2.

Literature cited by the submitters: PubMed 19926015 (cited by Labcorp Genetics (formerly Invitae), Labcorp and Laboratory for Molecular Medicine, Mass General Brigham Personalized Medicine); PubMed 27114410 (cited by Labcorp Genetics (formerly Invitae), Labcorp); PubMed 22677073 (cited by 3 submitters); PubMed 24025405 (cited by Laboratory for Molecular Medicine, Mass General Brigham Personalized Medicine).

NM_001035.3(RYR2):c.719A>G (p.His240Arg)

Gene: RYR2 (ryanodine receptor 2; plus strand). Cytogenetic location: 1q43.
Variant type: single nucleotide variant.
Coding change: c.719A>G on transcript NM_001035.3 (MANE Select); coding-DNA position 719, A replaced by G.
Protein change: p.His240Arg; replaces histidine 240 with arginine.
Molecular consequence: missense variant.
Genome position (GRCh38, 1-based): chr1:237,388,129, A>G. VCF-style: chr1-237388129-A-G. GRCh37 (hg19) VCF-style: chr1-237551429-A-G.
Other names: short protein forms H240R.
Identifiers: ClinVar variation 43823 (VCV000043823.21), dbSNP rs369512347, ClinGen allele CA010616.